The following is an entry in ClinVar:

ClinVar aggregate classification (germline): Conflicting classifications of pathogenicity. Review status: criteria provided, conflicting classifications (1 of 4 stars). 2 submissions from 2 submitters: Uncertain significance (1); Likely benign (1). Last evaluated 2025-12-30.

Conditions:
MAP1B-related disorder. Also called: MAP1B-related condition.
Inborn genetic diseases. Identifiers: MedGen C0950123, MeSH D030342.

Allele frequency attached by ClinVar (database versions not stated): gnomAD exomes 0.00002; ExAC 0.00007; ESP Exome Variant Server 0.00008; gnomAD 0.00013; 1000 Genomes Project 30x 0.00016; 1000 Genomes Project 0.00020; TOPMed 0.00020.
gnomAD v4.1: 48 of 1,614,222 alleles (0.003%); highest among the groups gnomAD compares: African/African-American, 0.063%; no homozygotes.

Submissions (2):

PreventionGenetics, part of Exact Sciences
Classification: Uncertain significance for MAP1B-related condition. Last evaluated: 2025-12-30. Review status: criteria provided, single submitter. Criteria: ACMG Guidelines, 2015. Collection method: clinical testing. Allele origin: germline.
Comment: The MAP1B c.4901C>G variant is predicted to result in the amino acid substitution p.Pro1634Arg. To our knowledge, this variant has not been reported in the literature. This variant is reported in 0.048% of alleles in individuals of African descent in gnomAD. Although we suspect that this variant is benign, at this time, the clinical significance of this variant is uncertain due to the absence of conclusive functional and genetic evidence.

Ambry Genetics
Classification: Likely benign for Inborn genetic diseases. Last evaluated: 2023-01-06. Review status: criteria provided, single submitter. Criteria: Ambry Variant Classification Scheme 2023. Collection method: clinical testing. Allele origin: germline.

NM_005909.5(MAP1B):c.4901C>G (p.Pro1634Arg)

Gene: MAP1B (microtubule associated protein 1B; plus strand). Cytogenetic location: 5q13.2.
Variant type: single nucleotide variant.
Coding change: c.4901C>G on transcript NM_005909.5 (MANE Select); coding-DNA position 4901, C replaced by G.
Protein change: p.Pro1634Arg; replaces proline 1634 with arginine.
Molecular consequence: missense variant.
Genome position (GRCh38, 1-based): chr5:72,198,256, C>G. VCF-style: chr5-72198256-C-G. GRCh37 (hg19) VCF-style: chr5-71494083-C-G.
Other names: c.4901C>G (NM_005909.4); c.4523C>G, p.Pro1508Arg (NM_001324255.2); short protein forms P1508R, P1634R.
Identifiers: ClinVar variation 2460162 (VCV002460162.3), dbSNP rs143699072, ClinGen allele CA3299220.